The following is an entry in ClinVar:

ClinVar aggregate classification (germline): Uncertain significance (1 of 4 stars; one submission).

Conditions:
Dyskeratosis congenita. Identifiers: Orphanet 1775, MedGen C0265965, MONDO:0015780.

Submission:

Ambry Genetics
Classification: Uncertain significance for Dyskeratosis congenita. Last evaluated: 2026-06-16. Review status: criteria provided, single submitter. Criteria: Ambry Variant Classification Scheme 2023. Collection method: clinical testing. Allele origin: germline.
Comment: The p.H879R variant (also known as c.2636A>G), located in coding exon 10 of the TERT gene, results from an A to G substitution at nucleotide position 2636. The histidine at codon 879 is replaced by arginine, an amino acid with highly similar properties. This amino acid position is conserved. In addition, this alteration is predicted to be tolerated by in silico analysis. Based on the available evidence, the clinical significance of this variant remains unclear.

NM_198253.3(TERT):c.2636A>G (p.His879Arg)

Gene: TERT (telomerase reverse transcriptase; minus strand). Cytogenetic location: 5p15.33.
Variant type: single nucleotide variant.
Coding change: c.2636A>G on transcript NM_198253.3 (MANE Select); coding-DNA position 2636, A replaced by G.
Protein change: p.His879Arg; replaces histidine 879 with arginine.
Molecular consequence: missense variant. On other transcripts: non-coding transcript variant (2).
Genome position (GRCh38, 1-based): chr5:1,266,482, T>C on the plus strand (A>G on the coding strand, the complement: TERT is on the minus strand). VCF-style: chr5-1266482-T-C. GRCh37 (hg19) VCF-style: chr5-1266597-T-C.
Other names: c.2636A>G, p.His879Arg (NM_001193376.3); short protein forms H879R.
Identifiers: ClinVar variation 5030633 (VCV005030633.1).